The following is an entry in ClinVar:

ClinVar aggregate classification (germline): Uncertain significance (1 of 4 stars; one submission).

Submission:

Labcorp Genetics (formerly Invitae), Labcorp
Classification: Uncertain significance. Last evaluated: 2022-09-03. Review status: criteria provided, single submitter. Criteria: Invitae Variant Classification Sherloc (09022015). Collection method: clinical testing. Allele origin: germline.
Comment: In summary, the available evidence is currently insufficient to determine the role of this variant in disease. Therefore, it has been classified as a Variant of Uncertain Significance. Algorithms developed to predict the effect of missense changes on protein structure and function output the following: SIFT: "Tolerated"; PolyPhen-2: "Benign"; Align-GVGD: "Class C0". The leucine amino acid residue is found in multiple mammalian species, which suggests that this missense change does not adversely affect protein function. This variant has not been reported in the literature in individuals affected with ASXL1-related conditions. This variant is not present in population databases (gnomAD no frequency). This sequence change replaces methionine, which is neutral and non-polar, with leucine, which is neutral and non-polar, at codon 1249 of the ASXL1 protein (p.Met1249Leu).

NM_015338.6(ASXL1):c.3745A>C (p.Met1249Leu)

Gene: ASXL1 (ASXL transcriptional regulator 1; plus strand). Cytogenetic location: 20q11.21.
Variant type: single nucleotide variant.
Coding change: c.3745A>C on transcript NM_015338.6 (MANE Select); coding-DNA position 3745, A replaced by C.
Protein change: p.Met1249Leu; replaces methionine 1249 with leucine.
Molecular consequence: missense variant.
Genome position (GRCh38, 1-based): chr20:32,436,457, A>C. VCF-style: chr20-32436457-A-C. GRCh37 (hg19) VCF-style: chr20-31024260-A-C.
Other names: c.3562A>C, p.Met1188Leu (NM_001363734.1); short protein forms M1188L, M1249L.
Identifiers: ClinVar variation 1718766 (VCV001718766.5), dbSNP rs146141075, ClinGen allele CA408563713.